The following is an entry in ClinVar:

NM_001791.4(CDC42):c.190T>C (p.Tyr64His)

Gene: CDC42 (cell division cycle 42; plus strand). Cytogenetic location: 1p36.12.
Variant type: single nucleotide variant.
Coding change: c.190T>C on transcript NM_001791.4 (MANE Select); coding-DNA position 190, T replaced by C.
Protein change: p.Tyr64His; replaces tyrosine 64 with histidine.
Molecular consequence: missense variant.
Genome position (GRCh38, 1-based): chr1:22,086,450, T>C. VCF-style: chr1-22086450-T-C. GRCh37 (hg19) VCF-style: chr1-22412943-T-C.
Other names: c.190T>C, p.Tyr64His (NM_001039802.2, NM_044472.3); short protein forms Y64H.
Identifiers: ClinVar variation 5040179 (VCV005040179.1).

ClinVar aggregate classification (germline): Likely pathogenic (1 of 4 stars; one submission).

Submission:

CeGaT Center for Human Genetics Tuebingen
Classification: Likely pathogenic. Last evaluated: 2026-07-01. Review status: criteria provided, single submitter. Criteria: CeGaT Center For Human Genetics Tuebingen Variant Classification Criteria Version 2. Collection method: clinical testing. Allele origin: germline. Affected: yes. Observed: 1 variant allele.
Comment: CDC42: PM2, PM5, PP2, PP3